The following is an entry in ClinVar:

NM_001378609.3(OTOGL):c.4235T>G (p.Met1412Arg)

Gene: OTOGL (otogelin like; plus strand). Cytogenetic location: 12q21.31.
Variant type: single nucleotide variant.
Coding change: c.4235T>G on transcript NM_001378609.3 (MANE Select); coding-DNA position 4235, T replaced by G.
Protein change: p.Met1412Arg; replaces methionine 1412 with arginine.
Molecular consequence: missense variant.
Genome position (GRCh38, 1-based): chr12:80,328,700, T>G. VCF-style: chr12-80328700-T-G. GRCh37 (hg19) VCF-style: chr12-80722480-T-G.
Other names: c.4100T>G, p.Met1367Arg (NM_001368062.3); c.4235T>G, p.Met1412Arg (NM_001378610.3, NM_173591.7); short protein forms M1367R, M1412R.
Identifiers: ClinVar variation 3392709 (VCV003392709.1).

ClinVar aggregate classification (germline): Uncertain significance (1 of 4 stars; one submission).

Submission:

GeneDx
Classification: Uncertain significance. Last evaluated: 2024-06-24. Review status: criteria provided, single submitter. Criteria: GeneDx Variant Classification Process June 2021. Collection method: clinical testing. Allele origin: germline. Affected: yes.
Comment: Not observed at significant frequency in large population cohorts (gnomAD); In silico analysis supports that this missense variant has a deleterious effect on protein structure/function; Has not been previously published as pathogenic or benign to our knowledge